The following is an entry in ClinVar:

NM_012398.3(PIP5K1C):c.1190_1191delinsCT (p.Ile397Thr)

Gene: PIP5K1C (phosphatidylinositol-4-phosphate 5-kinase type 1 gamma; minus strand). Cytogenetic location: 19p13.3.
Variant type: Indel.
Coding change: c.1190_1191delinsCT on transcript NM_012398.3 (MANE Select); coding-DNA positions 1190 to 1191, TC replaced by CT.
Protein change: p.Ile397Thr; replaces isoleucine 397 with threonine.
Molecular consequence: missense variant.
Genome position (GRCh38, 1-based): chr19:3,648,645-3,648,646, GA replaced by AG on the plus strand (TC replaced by CT on the coding strand, the reverse complement: PIP5K1C is on the minus strand). VCF-style: chr19-3648645-GA-AG. GRCh37 (hg19) VCF-style: chr19-3648643-GA-AG.
Other names: c.1190_1191delinsCT, p.Ile397Thr (NM_001195733.2, NM_001300849.2); short protein forms I397T.
Identifiers: ClinVar variation 3372142 (VCV003372142.1).

ClinVar aggregate classification (germline): Uncertain significance (1 of 4 stars; one submission).

Submission:

GeneDx
Classification: Uncertain significance. Last evaluated: 2024-04-05. Review status: criteria provided, single submitter. Criteria: GeneDx Variant Classification Process June 2021. Collection method: clinical testing. Allele origin: germline. Affected: yes.
Comment: Not observed at significant frequency in large population cohorts (gnomAD); In silico analysis supports a deleterious effect on protein structure/function; Has not been previously published as pathogenic or benign to our knowledge